The following is an entry in ClinVar:

NM_004397.6(DDX6):c.241A>C (p.Lys81Gln)

Gene: DDX6 (DEAD-box helicase 6; minus strand). Cytogenetic location: 11q23.3.
Variant type: single nucleotide variant.
Coding change: c.241A>C on transcript NM_004397.6 (MANE Select); coding-DNA position 241, A replaced by C.
Protein change: p.Lys81Gln; replaces lysine 81 with glutamine.
Molecular consequence: missense variant.
Genome position (GRCh38, 1-based): chr11:118,781,144, T>G on the plus strand (A>C on the coding strand, the complement: DDX6 is on the minus strand). VCF-style: chr11-118781144-T-G. GRCh37 (hg19) VCF-style: chr11-118651853-T-G.
Other names: c.241A>C, p.Lys81Gln (NM_001257191.3); short protein forms K81Q.
Identifiers: ClinVar variation 1699612 (VCV001699612.2), dbSNP rs1555164635, ClinGen allele CA382900247.
Genomic context (GRCh38, chr11:118,781,144, plus strand): 5'-CCACCATTATTCTACTTGTATTTTACAACCAACTTACCGAAGTTTTGATTCTTAGATCCT[T>G]TGGAGGGAGTTTTAAAGTCTTTTTCCAGTCATCACCAGGTCTAGAGAGAATACAGTAAAC-3'
Protein context (NP_004388.2, residues 71-91): DWKKTLKLPP[Lys81Gln]DLRIKTSDVT

ClinVar aggregate classification (germline): Uncertain significance (1 of 4 stars; one submission).

Submission:

GeneDx
Classification: Uncertain significance. Last evaluated: 2022-01-27. Review status: criteria provided, single submitter. Criteria: GeneDx Variant Classification Process June 2021. Collection method: clinical testing. Allele origin: germline. Affected: yes.
Comment: Not observed at significant frequency in large population cohorts (gnomAD); In silico analysis supports that this missense variant has a deleterious effect on protein structure/function; Has not been previously published as pathogenic or benign to our knowledge